The following is an entry in ClinVar:

NM_015272.5(RPGRIP1L):c.1060G>T (p.Glu354Ter)

Gene: RPGRIP1L (RPGRIP1 like; minus strand). Cytogenetic location: 16q12.2.
Variant type: single nucleotide variant.
Coding change: c.1060G>T on transcript NM_015272.5 (MANE Select); coding-DNA position 1060, G replaced by T.
Protein change: p.Glu354Ter; replaces glutamic acid 354 with a stop codon.
Molecular consequence: nonsense.
Genome position (GRCh38, 1-based): chr16:53,671,553, C>A on the plus strand (G>T on the coding strand, the complement: RPGRIP1L is on the minus strand). VCF-style: chr16-53671553-C-A. GRCh37 (hg19) VCF-style: chr16-53705465-C-A.
Other names: c.1060G>T, p.Glu354Ter (NM_001127897.4, NM_001308334.3, NM_001330538.2); short protein forms E354*.
Identifiers: ClinVar variation 4815822 (VCV004815822.1).

ClinVar aggregate classification (germline): Likely pathogenic (1 of 4 stars; one submission).

Conditions:
Joubert syndrome. Also called: Familial aplasia of the vermis; JOUBERT-BOLTSHAUSER SYNDROME; CEREBELLOPARENCHYMAL DISORDER IV. Identifiers: Orphanet 475, MedGen C5979921, MONDO:0018772.

gnomAD v4.1: 1 of 1,569,576 alleles (0.000064%); highest among the groups gnomAD compares: African/African-American, 0.0014%; no homozygotes.

Submission:

Natera, Inc.
Classification: Likely pathogenic for Joubert syndrome. Last evaluated: 2025-12-08. Review status: criteria provided, single submitter. Criteria: Natera Variant Classification Schema (03/2026). Collection method: clinical testing. Allele origin: germline.
Comment: The c.1060G>T variant in RPGRIP1L is a nonsense variant predicted to introduce a stop codon at amino acid 354. This variant is expected to result in nonsense mediated decay, truncation, or a dysfunctional protein product. This variant is rare in the general population with a frequency below the threshold expected for the associated phenotype(s). Given the available evidence, this variant is classified as Likely Pathogenic.